The following is an entry in ClinVar:

ClinVar aggregate classification (germline): Uncertain significance (1 of 4 stars; one submission).

Conditions:
Hypertrophic cardiomyopathy. Also called: HYPERTROPHIC MYOCARDIOPATHY. Identifiers: Orphanet 217569, MedGen C0007194, MeSH D002312, MONDO:0005045, HP:0001639.

Submission:

Labcorp Genetics (formerly Invitae), Labcorp
Classification: Uncertain significance for Hypertrophic cardiomyopathy. Last evaluated: 2023-06-24. Review status: criteria provided, single submitter. Criteria: Invitae Variant Classification Sherloc (09022015). Collection method: clinical testing. Allele origin: germline.
Comment: In summary, the available evidence is currently insufficient to determine the role of this variant in disease. Therefore, it has been classified as a Variant of Uncertain Significance. An algorithm developed to predict the effect of missense changes on protein structure and function (PolyPhen-2) suggests that this variant is likely to be tolerated. This variant has not been reported in the literature in individuals affected with TNNI3-related conditions. This variant is not present in population databases (gnomAD no frequency). This sequence change replaces alanine, which is neutral and non-polar, with proline, which is neutral and non-polar, at codon 163 of the TNNI3 protein (p.Ala163Pro).

NM_000363.5(TNNI3):c.487G>C (p.Ala163Pro)

Gene: TNNI3 (troponin I3, cardiac type; minus strand). Cytogenetic location: 19q13.42.
Variant type: single nucleotide variant.
Coding change: c.487G>C on transcript NM_000363.5 (MANE Select); coding-DNA position 487, G replaced by C.
Protein change: p.Ala163Pro; replaces alanine 163 with proline.
Molecular consequence: missense variant.
Genome position (GRCh38, 1-based): chr19:55,154,092, C>G on the plus strand (G>C on the coding strand, the complement: TNNI3 is on the minus strand). VCF-style: chr19-55154092-C-G. GRCh37 (hg19) VCF-style: chr19-55665460-C-G.
Other names: short protein forms A163P.
Identifiers: ClinVar variation 2726864 (VCV002726864.3), dbSNP rs2515498390, ClinGen allele CA407440357.